The following is an entry in ClinVar:

ClinVar aggregate classification (germline): Uncertain significance (1 of 4 stars; one submission).

Submission:

Labcorp Genetics (formerly Invitae), Labcorp
Classification: Uncertain significance. Last evaluated: 2024-10-15. Review status: criteria provided, single submitter. Criteria: Invitae Variant Classification Sherloc (09022015). Collection method: clinical testing. Allele origin: germline.
Comment: This sequence change replaces glutamic acid, which is acidic and polar, with glutamine, which is neutral and polar, at codon 208 of the DARS protein (p.Glu208Gln). This variant is not present in population databases (gnomAD no frequency). This variant has not been reported in the literature in individuals affected with DARS-related conditions. ClinVar contains an entry for this variant (Variation ID: 2070735). Invitae Evidence Modeling of protein sequence and biophysical properties (such as structural, functional, and spatial information, amino acid conservation, physicochemical variation, residue mobility, and thermodynamic stability) indicates that this missense variant is not expected to disrupt DARS protein function with a negative predictive value of 80%. In summary, the available evidence is currently insufficient to determine the role of this variant in disease. Therefore, it has been classified as a Variant of Uncertain Significance.

NM_001349.4(DARS1):c.622G>C (p.Glu208Gln)

Gene: DARS1 (aspartyl-tRNA synthetase 1; minus strand). Cytogenetic location: 2q21.3.
Variant type: single nucleotide variant.
Coding change: c.622G>C on transcript NM_001349.4 (MANE Select); coding-DNA position 622, G replaced by C.
Protein change: p.Glu208Gln; replaces glutamic acid 208 with glutamine.
Molecular consequence: missense variant.
Genome position (GRCh38, 1-based): chr2:135,924,441, C>G on the plus strand (G>C on the coding strand, the complement: DARS1 is on the minus strand). VCF-style: chr2-135924441-C-G. GRCh37 (hg19) VCF-style: chr2-136682011-C-G.
Other names: c.322G>C, p.Glu108Gln (NM_001293312.1); short protein forms E208Q, E108Q.
Identifiers: ClinVar variation 2070735 (VCV002070735.4), dbSNP rs2467369242, ClinGen allele CA348651845.
Genomic context (GRCh38, chr2:135,924,441, plus strand): 5'-GCATACCTGAAATAATTTTAGGAGTTTGGATTTCCACAAAACCTTTGTTAATTAAAGTTT[C>G]TCGGAAGAGATGGCAGATGCCAGACTGGAGACGGAAGACTGCCTGACTAGTTGATGTCTA-3'
Protein context (NP_001340.2, residues 198-218): LQSGICHLFR[Glu208Gln]TLINKGFVEI